The following is an entry in ClinVar:

ClinVar aggregate classification (germline): Uncertain significance (1 of 4 stars; one submission).

Conditions:
Microcephaly-intellectual disability-sensorineural hearing loss-epilepsy-abnormal muscle tone syndrome (NEDHSB). Also called: NEURODEVELOPMENTAL DISORDER WITH HEARING LOSS, SEIZURES, AND BRAIN ABNORMALITIES. Identifiers: Orphanet 457351, MedGen C4225276, MONDO:0014698, OMIM 616577.

Allele frequency attached by ClinVar (database versions not stated): gnomAD exomes below 0.00001; ExAC 0.00002; TOPMed 0.00002; ESP Exome Variant Server 0.00008.
gnomAD v4.1: 12 of 1,614,124 alleles (0.00074%); highest among the groups gnomAD compares: Non-Finnish European, 0.00093%; no homozygotes.

Submission:

Labcorp Genetics (formerly Invitae), Labcorp
Classification: Uncertain significance for Microcephaly-intellectual disability-sensorineural hearing loss-epilepsy-abnormal muscle tone syndrome. Last evaluated: 2022-03-02. Review status: criteria provided, single submitter. Criteria: Invitae Variant Classification Sherloc (09022015). Collection method: clinical testing. Allele origin: germline.
Comment: This sequence change replaces serine, which is neutral and polar, with cysteine, which is neutral and slightly polar, at codon 26 of the SPATA5 protein (p.Ser26Cys). This variant is present in population databases (rs375140705, gnomAD 0.0009%). This variant has not been reported in the literature in individuals affected with SPATA5-related conditions. ClinVar contains an entry for this variant (Variation ID: 858588). Advanced modeling of protein sequence and biophysical properties (such as structural, functional, and spatial information, amino acid conservation, physicochemical variation, residue mobility, and thermodynamic stability) performed at Invitae indicates that this missense variant is not expected to disrupt SPATA5 protein function. In summary, the available evidence is currently insufficient to determine the role of this variant in disease. Therefore, it has been classified as a Variant of Uncertain Significance.

NM_145207.3(AFG2A):c.77C>G (p.Ser26Cys)

Gene: AFG2A (AFG2 AAA ATPase homolog A; plus strand). Cytogenetic location: 4q28.1.
Variant type: single nucleotide variant.
Coding change: c.77C>G on transcript NM_145207.3 (MANE Select); coding-DNA position 77, C replaced by G.
Protein change: p.Ser26Cys; replaces serine 26 with cysteine.
Molecular consequence: missense variant.
Genome position (GRCh38, 1-based): chr4:122,923,219, C>G. VCF-style: chr4-122923219-C-G. GRCh37 (hg19) VCF-style: chr4-123844374-C-G.
Other names: c.77C>G, p.Ser26Cys (NM_001317799.2, NM_001345856.2); short protein forms S26C.
Identifiers: ClinVar variation 858588 (VCV000858588.4), dbSNP rs375140705, ClinGen allele CA3070121.
Genomic context (GRCh38, chr4:122,923,219, plus strand): 5'-ATAGAAAGCGGTTGAACCAAAGCGCGGAAAATGGTTCGTCCTTGCCCTCTGCTGCTTCCT[C>G]TTGTGCGGAGGCACGGGCTCCTTCTGCTGGATCAGACTTCGCGGCAACCTCCGGGACTCT-3'
Protein context (NP_660208.2, residues 16-36): NGSSLPSAAS[Ser26Cys]CAEARAPSAG